The following is an entry in ClinVar:

NM_000175.5(GPI):c.276C>T (p.Tyr92=)

Gene: GPI (glucose-6-phosphate isomerase; plus strand). Cytogenetic location: 19q13.11.
Variant type: single nucleotide variant.
Coding change: c.276C>T on transcript NM_000175.5 (MANE Select); coding-DNA position 276, C replaced by T.
Protein change: p.Tyr92=; no amino-acid change (tyrosine 92 retained).
Molecular consequence: synonymous variant.
Genome position (GRCh38, 1-based): chr19:34,366,845, C>T. VCF-style: chr19-34366845-C-T. GRCh37 (hg19) VCF-style: chr19-34857750-C-T.
Other names: c.393C>T, p.Tyr131= (NM_001184722.1, NM_001289789.1); c.276C>T, p.Tyr92= (NM_001289790.3, NM_001329909.1, NM_001329910.1 and 1 more transcripts).
Identifiers: ClinVar variation 3353030 (VCV003353030.1).

ClinVar aggregate classification (germline): Likely benign (0 of 4 stars; one submission).

Conditions:
GPI-related disorder. Also called: GPI-related condition.

Submission:

PreventionGenetics, part of Exact Sciences
Classification: Likely benign for GPI-related condition. Last evaluated: 2019-03-04. Review status: no assertion criteria provided. Collection method: clinical testing. Allele origin: germline.
Comment: This variant is classified as likely benign based on ACMG/AMP sequence variant interpretation guidelines (Richards et al. 2015 PMID: 25741868, with internal and published modifications).